The following is an entry in ClinVar:

ClinVar aggregate classification (germline): Likely benign. Review status: criteria provided, single submitter (1 of 4 stars). 2 submissions from 2 submitters: Likely benign (1). 1 of the submissions does not count toward it. Last evaluated 2023-02-01.

Conditions:
DCAF4L2-related disorder. Also called: DCAF4L2-related condition.

Submissions (2):

CeGaT Center for Human Genetics Tuebingen
Classification: Likely benign. Last evaluated: 2023-02-01. Review status: criteria provided, single submitter. Criteria: CeGaT Center For Human Genetics Tuebingen Variant Classification Criteria Version 2. Collection method: clinical testing. Allele origin: germline. Affected: yes. Observed: 1 variant allele.
Comment: DCAF4L2: BS2

PreventionGenetics, part of Exact Sciences
Classification: Likely benign for DCAF4L2-related condition. Last evaluated: 2019-11-13. Review status: no assertion criteria provided. Collection method: clinical testing. Allele origin: germline. Not counted in ClinVar's aggregate classification.
Comment: This variant is classified as likely benign based on ACMG/AMP sequence variant interpretation guidelines (Richards et al. 2015 PMID: 25741868, with internal and published modifications).

NM_152418.4(DCAF4L2):c.971AAG[2] (p.Glu326del)

Gene: DCAF4L2 (DDB1 and CUL4 associated factor 4 like 2; minus strand). Cytogenetic location: 8q21.3.
Variant type: Microsatellite.
Coding change: c.971AAG[2] on transcript NM_152418.4 (MANE Select); two copies in a row of the 3-base unit AAG starting at c.971; the reference has three copies in a row; one copy, 3 bases deleted.
Protein change: p.Glu326del; deletes glutamic acid 326.
Molecular consequence: inframe deletion.
Genome position (GRCh38, 1-based): chr8:87,872,993-87,872,995, CTT deleted on the plus strand (AAG on the coding strand, the reverse complement: DCAF4L2 is on the minus strand); deleting any 3 consecutive bases within chr8:87,872,993-87,873,002 gives the same sequence; the position shown is the placement nearest the transcript's 3' end. VCF-style (leftmost placement, unchanged base first): chr8-87872992-CCTT-C. GRCh37 (hg19) VCF-style: chr8-88885220-CCTT-C.
Other names: c.977_979delAAG (NM_152418.3); short protein forms E326del.
Identifiers: ClinVar variation 2658679 (VCV002658679.25), dbSNP rs537310751, ClinGen allele CA4801116.
Genomic context (GRCh38, chr8:87,872,992, plus strand): 5'-TGGCCATGACGGAGGCTCCAGATTCTCGTGTAGCAGTCCTGGCCCACGGCCGCCACGACT[CCTT>C]CTTCTTCGTTCACATGCACGGGTAGGTAGGCGGAGTTATTCACATGACCTTCGTACTGTG-3'